The following is an entry in ClinVar:

ClinVar aggregate classification (germline): Uncertain significance (1 of 4 stars; one submission).

Conditions:
Hereditary cancer-predisposing syndrome. Also called: Neoplastic Syndromes, Hereditary; Tumor predisposition; Hereditary Cancer Syndrome; Hereditary neoplastic syndrome. Identifiers: Orphanet 140162, MedGen C0027672, MeSH D009386, MONDO:0015356.

gnomAD v4.1: 3 of 1,613,870 alleles (0.00019%); highest among the groups gnomAD compares: Non-Finnish European, 0.00025%; no homozygotes.

Submission:

Ambry Genetics
Classification: Uncertain significance for Hereditary cancer-predisposing syndrome. Last evaluated: 2022-07-10. Review status: criteria provided, single submitter. Criteria: Ambry Variant Classification Scheme 2023. Collection method: clinical testing. Allele origin: germline.
Comment: The p.L70R variant (also known as c.209T>G), located in coding exon 2 of the FANCC gene, results from a T to G substitution at nucleotide position 209. The leucine at codon 70 is replaced by arginine, an amino acid with dissimilar properties. This amino acid position is conserved. In addition, this alteration is predicted to be deleterious by in silico analysis. Since supporting evidence is limited at this time, the clinical significance of this alteration remains unclear.

NM_000136.3(FANCC):c.209T>G (p.Leu70Arg)

Gene: FANCC (FA complementation group C; minus strand). Cytogenetic location: 9q22.32.
Variant type: single nucleotide variant.
Coding change: c.209T>G on transcript NM_000136.3 (MANE Select); coding-DNA position 209, T replaced by G.
Protein change: p.Leu70Arg; replaces leucine 70 with arginine.
Molecular consequence: missense variant.
Genome position (GRCh38, 1-based): chr9:95,247,473, A>C on the plus strand (T>G on the coding strand, the complement: FANCC is on the minus strand). VCF-style: chr9-95247473-A-C. GRCh37 (hg19) VCF-style: chr9-98009755-A-C.
Other names: c.209T>G, p.Leu70Arg (NM_001243743.2, NM_001243744.2); short protein forms L70R.
Identifiers: ClinVar variation 1785870 (VCV001785870.2), dbSNP rs150174412, ClinGen allele CA5137803.
Genomic context (GRCh38, chr9:95,247,473, plus strand): 5'-ACACGTTTTTGATTCTTACCATATGCTAAAATAAAAGGATTCCAACAAGCTTTTGCCAAC[A>C]GTTGACCAATTGTGGGGAATCTTTCAATGACTGTATTAGAATCCTGTGAAAGAAAAATAA-3'
Protein context (NP_000127.2, residues 60-80): VIERFPTIGQ[Leu70Arg]LAKACWNPFI